The following is an entry in ClinVar:

ClinVar aggregate classification (germline): Likely benign. Review status: criteria provided, multiple submitters, no conflicts (2 of 4 stars). 4 submissions from 4 submitters: Likely benign (4). Last evaluated 2026-01-09.

Conditions:
Emery-Dreifuss muscular dystrophy 5, autosomal dominant (EDMD5). Also called: EMERY-DREIFUSS MUSCULAR DYSTROPHY 5. Identifiers: Orphanet 261, MedGen C2751805, MONDO:0013072, OMIM 612999.

Allele frequency attached by ClinVar (database versions not stated): ExAC 0.00007; gnomAD 0.00008 and 0.00009; gnomAD exomes 0.00008; TOPMed 0.00011; ESP Exome Variant Server 0.00017.
gnomAD v4.1: 138 of 1,614,138 alleles (0.0085%); highest among the groups gnomAD compares: Middle Eastern, 1%; 1 homozygote.

Submissions (4):

Labcorp Genetics (formerly Invitae), Labcorp
Classification: Likely benign for Emery-Dreifuss muscular dystrophy 5, autosomal dominant. Last evaluated: 2026-01-09. Review status: criteria provided, single submitter. Criteria: Invitae Variant Classification Sherloc (09022015). Collection method: clinical testing. Allele origin: germline.

Blueprint Genetics
Classification: Likely benign. Last evaluated: 2024-09-17. Review status: criteria provided, single submitter. Criteria: ACMG Guidelines, 2015. Collection method: clinical testing. Allele origin: germline.

Illumina Laboratory Services, Illumina
Classification: Likely benign for Emery-Dreifuss muscular dystrophy 5, autosomal dominant. Last evaluated: 2018-01-13. Review status: criteria provided, single submitter. Criteria: ICSL Variant Classification Criteria 13 December 2019. Collection method: clinical testing. Allele origin: germline.
Comment: This variant was observed in the ICSL laboratory as part of a predisposition screen in an ostensibly healthy population. It had not been previously curated by ICSL or reported in the Human Gene Mutation Database (HGMD: prior to June 1st, 2018), and was therefore a candidate for classification through an automated scoring system. Utilizing variant allele frequency, disease prevalence and penetrance estimates, and inheritance mode, an automated score was calculated to assess if this variant is too frequent to cause the disease. Based on the score and internal cut-off values, a variant classified as likely benign is not then subjected to further curation. The score for this variant resulted in a classification of likely benign for this disease.

Breakthrough Genomics
Classification: Likely benign. Review status: criteria provided, single submitter. Criteria: ACMG Guidelines, 2015. Collection method: not provided. Allele origin: germline. Inheritance: Autosomal dominant inheritance. Affected: yes.

NM_182914.3(SYNE2):c.4071G>A (p.Thr1357=)

Gene: SYNE2 (spectrin repeat containing nuclear envelope protein 2; plus strand). Cytogenetic location: 14q23.2.
Variant type: single nucleotide variant.
Coding change: c.4071G>A on transcript NM_182914.3 (MANE Select); coding-DNA position 4071, G replaced by A.
Protein change: p.Thr1357=; no amino-acid change (threonine 1357 retained).
Molecular consequence: synonymous variant.
Genome position (GRCh38, 1-based): chr14:64,003,004, G>A. VCF-style: chr14-64003004-G-A. GRCh37 (hg19) VCF-style: chr14-64469722-G-A.
Other names: c.4071G>A, p.Thr1357= (NM_015180.6).
Identifiers: ClinVar variation 470973 (VCV000470973.17), dbSNP rs371506443, ClinGen allele CA7220130.